The following is an entry in ClinVar:

NM_005656.4(TMPRSS2):c.-57+98G>C

Genes: TMPRSS2 (transmembrane serine protease 2; minus strand), LOC117134604 (TMPRSS2 promoter region; plus strand). Cytogenetic location: 21q22.3.
Variant type: single nucleotide variant.
Coding change: c.-57+98G>C on transcript NM_005656.4 (MANE Select); 98 bases into the intron after 57 bases upstream of the start codon, G replaced by C.
Molecular consequence: intron variant. On other transcripts: missense variant (1).
Genome position (GRCh38, 1-based): chr21:41,507,983, C>G on the plus strand (G>C on the coding strand, the complement: TMPRSS2 is on the minus strand). VCF-style: chr21-41507983-C-G. GRCh37 (hg19) VCF-style: chr21-42879910-C-G.
Other names: c.-57+98G>C (NM_001382720.1); c.22G>C, p.Gly8Arg (NM_001135099.1); short protein forms G8R.
Identifiers: ClinVar variation 3025033 (VCV003025033.22), dbSNP rs200291871, ClinGen allele CA10034944.

ClinVar aggregate classification (germline): Benign (1 of 4 stars; one submission).

Allele frequency attached by ClinVar (database versions not stated): 1000 Genomes Project 0.00180; ExAC 0.00331; 1000 Genomes Project 30x 0.00375; gnomAD 0.00664; TOPMed 0.00673; gnomAD exomes 0.01052.
gnomAD v4.1: 14,379 of 1,444,186 alleles (1%); highest among the groups gnomAD compares: Non-Finnish European, 1.2%; 92 homozygotes.

Submission:

CeGaT Center for Human Genetics Tuebingen
Classification: Benign. Last evaluated: 2024-01-01. Review status: criteria provided, single submitter. Criteria: CeGaT Center For Human Genetics Tuebingen Variant Classification Criteria Version 2. Collection method: clinical testing. Allele origin: germline. Affected: yes. Observed: 1 variant allele.
Comment: TMPRSS2: BS1, BS2